The following is an entry in ClinVar:

NM_001354604.2(MITF):c.645T>G (p.His215Gln)

Gene: MITF (melanocyte inducing transcription factor; plus strand). Cytogenetic location: 3p13.
Variant type: single nucleotide variant.
Coding change: c.645T>G on transcript NM_001354604.2 (MANE Select); coding-DNA position 645, T replaced by G.
Protein change: p.His215Gln; replaces histidine 215 with glutamine.
Molecular consequence: missense variant.
Genome position (GRCh38, 1-based): chr3:69,939,160, T>G. VCF-style: chr3-69939160-T-G. GRCh37 (hg19) VCF-style: chr3-69988311-T-G.
Other names: c.324T>G, p.His108Gln (NM_000248.4, NM_198158.3); c.489T>G, p.His163Gln (NM_001184967.2, NM_001354608.2); c.642T>G, p.His214Gln (NM_001354605.2, NM_001354606.2, NM_006722.3); c.594T>G, p.His198Gln (NM_001354607.2); c.645T>G, p.His215Gln (NM_198159.3); c.597T>G, p.His199Gln (NM_198177.3); c.156T>G, p.His52Gln (NM_198178.3); short protein forms H108Q, H163Q, H198Q, H199Q, H214Q, H215Q, H52Q.
Identifiers: ClinVar variation 2662717 (VCV002662717.3), dbSNP rs2065911124, ClinGen allele CA353560956.

ClinVar aggregate classification (germline): Uncertain significance. Review status: criteria provided, multiple submitters, no conflicts (2 of 4 stars). 3 submissions from 3 submitters: Uncertain significance (3). Last evaluated 2026-06-20.

Conditions:
Hereditary cancer-predisposing syndrome. Also called: Hereditary neoplastic syndrome; Hereditary Cancer Syndrome; Neoplastic Syndromes, Hereditary; Tumor predisposition. Identifiers: Orphanet 140162, MedGen C0027672, MeSH D009386, MONDO:0015356.
Tietz syndrome (TADS). Also called: ALBINISM-DEAFNESS OF TIETZ; HYPOPIGMENTATION/DEAFNESS OF TIETZ; TIETZ ALBINISM-DEAFNESS SYNDROME. Identifiers: Orphanet 42665, MedGen C0391816, MONDO:0007077, OMIM 103500.
Waardenburg syndrome type 2A (WS2A). Also called: WAARDENBURG SYNDROME WITHOUT DYSTOPIA CANTHORUM. Identifiers: Orphanet 3440, MedGen C1860339, MONDO:0008671, OMIM 193510.
Melanoma, cutaneous malignant, susceptibility to, 8. Also called: MELANOMA AND RENAL CELL CARCINOMA, SUSCEPTIBILITY TO; Cutaneous malignant melanoma 8. Identifiers: Orphanet 293822, MedGen C3152204, MONDO:0013759, OMIM 614456.

Submissions (3):

Ambry Genetics
Classification: Uncertain significance for Hereditary cancer-predisposing syndrome. Last evaluated: 2026-06-20. Review status: criteria provided, single submitter. Criteria: Ambry Variant Classification Scheme 2023. Collection method: clinical testing. Allele origin: germline.
Comment: The p.H108Q variant (also known as c.324T>G), located in coding exon 3 of the MITF gene, results from a T to G substitution at nucleotide position 324. The histidine at codon 108 is replaced by glutamine, an amino acid with highly similar properties. This amino acid position is conserved. In addition, the in silico prediction for this alteration is inconclusive. Based on the available evidence, the clinical significance of this variant remains unclear.

Labcorp Genetics (formerly Invitae), Labcorp
Classification: Uncertain significance for Melanoma, cutaneous malignant, susceptibility to, 8; Waardenburg syndrome type 2A; Tietz syndrome. Last evaluated: 2025-04-23. Review status: criteria provided, single submitter. Criteria: Invitae Variant Classification Sherloc (09022015). Collection method: clinical testing. Allele origin: germline.
Comment: This sequence change replaces histidine, which is basic and polar, with glutamine, which is neutral and polar, at codon 108 of the MITF protein (p.His108Gln). This variant is not present in population databases (gnomAD no frequency). This variant has not been reported in the literature in individuals affected with MITF-related conditions. ClinVar contains an entry for this variant (Variation ID: 2662717). An algorithm developed to predict the effect of missense changes on protein structure and function (PolyPhen-2) suggests that this variant is likely to be tolerated. In summary, the available evidence is currently insufficient to determine the role of this variant in disease. Therefore, it has been classified as a Variant of Uncertain Significance.

GeneDx
Classification: Uncertain significance. Last evaluated: 2023-04-19. Review status: criteria provided, single submitter. Criteria: GeneDx Variant Classification Process June 2021. Collection method: clinical testing. Allele origin: germline. Affected: yes.
Comment: Not observed at significant frequency in large population cohorts (gnomAD); In silico analysis supports that this missense variant does not alter protein structure/function; Has not been previously published as pathogenic or benign to our knowledge